The following is an entry in ClinVar:

NC_000019.10:g.49832416G>A

Gene: MED25 (mediator complex subunit 25; plus strand). Cytogenetic location: 19q13.33.
Variant type: single nucleotide variant.
Genome position: GRCh38 VCF-style: chr19-49832416-G-A. GRCh37 (hg19) VCF-style: chr19-50335673-G-A.
Other names: c.1482+1G>A (NM_030973.4, LRG_368t1).
Identifiers: ClinVar variation 2921235 (VCV002921235.2), dbSNP rs1568624159, ClinGen allele CA406917717.

ClinVar aggregate classification (germline): Uncertain significance (1 of 4 stars; one submission).

Conditions:
Congenital cataract-microcephaly-nevus flammeus simplex-severe intellectual disability syndrome. Also called: Basel-Vanagaite-Smirin-Yosef syndrome. Identifiers: Orphanet 464738, MedGen C4225323, MONDO:0014643, OMIM 616449.

gnomAD v4.1: 2 of 1,556,642 alleles (0.00013%); highest among the groups gnomAD compares: Non-Finnish European, 0.00018%; no homozygotes.

Submissions (2):

ARUP Laboratories, Molecular Genetics and Genomics, ARUP Laboratories
Classification: Uncertain significance for Congenital cataract-microcephaly-nevus flammeus simplex-severe intellectual disability syndrome. Last evaluated: 2023-10-18. Review status: criteria provided, single submitter. Criteria: ARUP Molecular Germline Variant Investigation Process 2024. Collection method: clinical testing. Allele origin: germline.
Comment: The MED25 c.1482+1G>A variant, to our knowledge, is not reported in the medical literature or gene specific databases. This variant is also absent from the Genome Aggregation Database, indicating it is not a common polymorphism. This variant disrupts the canonical splice donor site of intron 13, which is likely to negatively impact gene function. However, it is uncertain whether loss-of-function variants in MED25 cause disease. Due to limited information, the clinical significance of this variant is uncertain at this time.

Dr. Peter K. Rogan Lab, Western University
No classification provided (evidence only). Condition: Colorectal cancer. Review status: no classification provided. Collection method: in vitro. Allele origin: not applicable. Functional consequence: skipped exon, retained intron. Not counted in ClinVar's aggregate classification.